The following is an entry in ClinVar:

ClinVar aggregate classification (germline): Likely pathogenic. Review status: criteria provided, multiple submitters, no conflicts (2 of 4 stars). 3 submissions from 3 submitters: Likely pathogenic (3). Last evaluated 2025-12-16.

Conditions:
Mucopolysaccharidosis type 1. Also called: IDUA deficiency; MPS I; Mucopolysaccharidosis Type I. Identifiers: Orphanet 579, MedGen C0023786, MONDO:0001586.

gnomAD v4.1: 6 of 1,612,240 alleles (0.00037%); highest among the groups gnomAD compares: Non-Finnish European, 0.00051%; no homozygotes.

Submissions (3):

Myriad Genetics, Inc.
Classification: Likely pathogenic for Mucopolysaccharidosis type 1. Last evaluated: 2025-12-16. Review status: criteria provided, single submitter. Criteria: Myriad Autosomal Dominant, Autosomal Recessive and X-Linked Classification Criteria (2023). Collection method: clinical testing. Allele origin: unknown.
Comment: NM_000203.3(IDUA):c.1709A>T(D570V) is a missense variant classified as likely pathogenic in the context of mucopolysaccharidosis type I. D570V has been observed in cases with relevant disease (PMID: 31991612, 35005816, Tulebayeva_2018_Thesis). Relevant functional assessments of this variant are available in the literature (PMID: 39702574). D570V has not been observed in referenced population frequency databases. In summary, NM_000203.3(IDUA):c.1709A>T(D570V) is a missense variant that has functional support for pathogenicity and has been observed more frequently in cases with the relevant disease than in healthy populations. Please note: this variant was assessed in the context of healthy population screening.

Labcorp Genetics (formerly Invitae), Labcorp
Classification: Likely pathogenic for Mucopolysaccharidosis type 1. Last evaluated: 2025-01-20. Review status: criteria provided, single submitter. Criteria: Invitae Variant Classification Sherloc (09022015). Collection method: clinical testing. Allele origin: germline.
Comment: This sequence change replaces aspartic acid, which is acidic and polar, with valine, which is neutral and non-polar, at codon 570 of the IDUA protein (p.Asp570Val). This variant is not present in population databases (gnomAD no frequency). This missense change has been observed in individual(s) with mucopolysaccharidosis type I (PMID: 31991612). ClinVar contains an entry for this variant (Variation ID: 1980496). Invitae Evidence Modeling of protein sequence and biophysical properties (such as structural, functional, and spatial information, amino acid conservation, physicochemical variation, residue mobility, and thermodynamic stability) indicates that this missense variant is expected to disrupt IDUA protein function with a positive predictive value of 95%. Algorithms developed to predict the effect of sequence changes on RNA splicing suggest that this variant may disrupt the consensus splice site. This variant disrupts the p.Asp570 amino acid residue in IDUA. Other variant(s) that disrupt this residue have been determined to be pathogenic (PMID: 25558755). This suggests that this residue is clinically significant, and that variants that disrupt this residue are likely to be disease-causing. In summary, the currently available evidence indicates that the variant is pathogenic, but additional data are needed to prove that conclusively. Therefore, this variant has been classified as Likely Pathogenic.

Natera, Inc.
Classification: Likely pathogenic for Mucopolysaccharidosis type I. Last evaluated: 2025-01-14. Review status: criteria provided, single submitter. Criteria: Natera Variant Classification Schema (03/2026). Collection method: clinical testing. Allele origin: germline.
Comment: The c.1709A>T variant in IDUA is a missense variant predicted to cause substitution of aspartic acid to valine at amino acid 570. This variant is rare in the general population with a frequency below the threshold expected for the associated phenotype(s). This variant has been observed in one or more individuals affected with the associated recessive disease, as either homozygous or compound heterozygous with a second variant (PMID: 31991612, 35005816). This variant has been identified in one or more affected individuals with a phenotype highly consistent with the associated gene (PMID: 31991612). Computational prediction algorithms indicate this variant is likely to affect gene or protein function. Given the available evidence, this variant is classified as Likely Pathogenic.

Literature cited by the submitters: PubMed 39702574 (cited by Myriad Genetics, Inc.); PubMed 31991612 (cited by Labcorp Genetics (formerly Invitae), Labcorp and Natera, Inc.); PubMed 25558755 (cited by Labcorp Genetics (formerly Invitae), Labcorp); PubMed 35005816 (cited by Natera, Inc.).

NM_000203.5(IDUA):c.1709A>T (p.Asp570Val)

Gene: IDUA (alpha-L-iduronidase; plus strand). Cytogenetic location: 4p16.3.
Variant type: single nucleotide variant.
Coding change: c.1709A>T on transcript NM_000203.5 (MANE Select); coding-DNA position 1709, A replaced by T.
Protein change: p.Asp570Val; replaces aspartic acid 570 with valine.
Molecular consequence: missense variant. On other transcripts: non-coding transcript variant (1).
Genome position (GRCh38, 1-based): chr4:1,003,607, A>T. VCF-style: chr4-1003607-A-T. GRCh37 (hg19) VCF-style: chr4-997395-A-T.
Other names: c.1313A>T, p.Asp438Val (NM_001363576.1); c.1709A>T (NM_000203.4); short protein forms D438V, D570V.
Identifiers: ClinVar variation 1980496 (VCV001980496.7), dbSNP rs753905054, ClinGen allele CA355965255.